The following is an entry in ClinVar:

ClinVar aggregate classification (germline): Conflicting classifications of pathogenicity. Review status: criteria provided, conflicting classifications (1 of 4 stars). 3 submissions from 3 submitters: Uncertain significance (1); Likely benign (2). Last evaluated 2026-01-12.

Conditions:
Inborn genetic diseases. Identifiers: MedGen C0950123, MeSH D030342.
Charcot-Marie-Tooth disease axonal type 2Z. Also called: CHARCOT-MARIE-TOOTH DISEASE, AXONAL, AUTOSOMAL DOMINANT, TYPE 2Z; CHARCOT-MARIE-TOOTH NEUROPATHY, TYPE 2Z. Identifiers: Orphanet 466768, MedGen C5569025, MONDO:0014736, OMIM 616688.

Allele frequency attached by ClinVar (database versions not stated): ExAC 0.00007; gnomAD exomes 0.00010; gnomAD 0.00017 and 0.00019; TOPMed 0.00019; ESP Exome Variant Server 0.00031.
gnomAD v4.1: 369 of 1,613,878 alleles (0.023%); highest among the groups gnomAD compares: Non-Finnish European, 0.029%; no homozygotes.

Submissions (3):

Labcorp Genetics (formerly Invitae), Labcorp
Classification: Uncertain significance for Charcot-Marie-Tooth disease axonal type 2Z. Last evaluated: 2026-01-12. Review status: criteria provided, single submitter. Criteria: Invitae Variant Classification Sherloc (09022015). Collection method: clinical testing. Allele origin: germline.
Comment: This sequence change replaces aspartic acid, which is acidic and polar, with glutamic acid, which is acidic and polar, at codon 323 of the MORC2 protein (p.Asp323Glu). This variant is present in population databases (rs199973357, gnomAD 0.02%). This variant has not been reported in the literature in individuals affected with MORC2-related conditions. ClinVar contains an entry for this variant (Variation ID: 475602). Invitae Evidence Modeling of protein sequence and biophysical properties (such as structural, functional, and spatial information, amino acid conservation, physicochemical variation, residue mobility, and thermodynamic stability) has been performed for this missense variant. However, the output from this modeling did not meet the statistical confidence thresholds required to predict the impact of this variant on MORC2 protein function. In summary, the available evidence is currently insufficient to determine the role of this variant in disease. Therefore, it has been classified as a Variant of Uncertain Significance.

Women's Health and Genetics/Laboratory Corporation of America, LabCorp
Classification: Likely benign. Last evaluated: 2025-12-30. Review status: criteria provided, single submitter. Criteria: LabCorp Variant Classification Summary - May 2015. Collection method: clinical testing. Allele origin: germline.
Comment: Variant summary: MORC2 c.969C>A (p.Asp323Glu) results in a conservative amino acid change in the encoded protein sequence. Algorithms developed to predict the effect of missense changes on protein structure and function are either unavailable or do not agree on the potential impact of this missense change. The variant allele was found at a frequency of 0.0001 in 251032 control chromosomes. The observed variant frequency exceeds the estimated maximal expected allele frequency for disease-causing variants in MORC2. To our knowledge, no occurrence of c.969C>A in individuals affected with MORC2-related conditions and no experimental evidence demonstrating its impact on protein function have been reported. ClinVar contains an entry for this variant (Variation ID: 475602). Based on the evidence outlined above, the variant was classified as likely benign.

Ambry Genetics
Classification: Likely benign for Inborn genetic diseases. Last evaluated: 2020-02-24. Review status: criteria provided, single submitter. Criteria: Ambry Variant Classification Scheme 2023. Collection method: clinical testing. Allele origin: germline.

NM_001303256.3(MORC2):c.969C>A (p.Asp323Glu)

Gene: MORC2 (MORC family CW-type zinc finger 2; minus strand). Cytogenetic location: 22q12.2.
Variant type: single nucleotide variant.
Coding change: c.969C>A on transcript NM_001303256.3 (MANE Select); coding-DNA position 969, C replaced by A.
Protein change: p.Asp323Glu; replaces aspartic acid 323 with glutamic acid.
Molecular consequence: missense variant.
Genome position (GRCh38, 1-based): chr22:30,939,977, G>T on the plus strand (C>A on the coding strand, the complement: MORC2 is on the minus strand). VCF-style: chr22-30939977-G-T. GRCh37 (hg19) VCF-style: chr22-31335964-G-T.
Other names: c.969C>A, p.Asp323Glu (NM_001303257.2); c.783C>A, p.Asp261Glu (NM_014941.3); short protein forms D261E, D323E.
Identifiers: ClinVar variation 475602 (VCV000475602.14), dbSNP rs199973357, ClinGen allele CA10187090.
Genomic context (GRCh38, chr22:30,939,977, plus strand): 5'-GCCAGAAACGCTGGAGAACAGCCGCCTGGGCCGGGACCTTACCCTGGAGTCCCGCGTGAG[G>T]TCTCCACCTAGGCGTACTTCTAATGTCCGAGCTTTGCTCTCTGCCTCCCGCGCCTTCTCT-3'
Protein context (NP_001290185.1, residues 313-333): ARTLEVRLGG[Asp323Glu]LTRDSRVMLR